The following is an entry in ClinVar:

NM_015512.5(DNAH1):c.12089+8C>A

Gene: DNAH1 (dynein axonemal heavy chain 1; plus strand). Cytogenetic location: 3p21.1.
Variant type: single nucleotide variant.
Coding change: c.12089+8C>A on transcript NM_015512.5 (MANE Select); 8 bases into the intron after coding-DNA position 12089, C replaced by A.
Molecular consequence: intron variant.
Genome position (GRCh38, 1-based): chr3:52,398,170, C>A. VCF-style: chr3-52398170-C-A. GRCh37 (hg19) VCF-style: chr3-52432186-C-A.
Identifiers: ClinVar variation 4850841 (VCV004850841.1).
Genomic context (GRCh38, chr3:52,398,170, plus strand): 5'-CCAGTGCTGTATGAGGAATCAATGAACACAGTACTAGTACAAGAGGTCATTAGGTAATCA[C>A]CCCGCCATACCCCTGCCCCGAGTCAGCGGCCACTGGACTGTAGAGAAATGACAACAGGGG-3'

ClinVar aggregate classification (germline): Uncertain significance (1 of 4 stars; one submission).

gnomAD v4.1: 19 of 1,594,540 alleles (0.0012%); highest among the groups gnomAD compares: African/African-American, 0.023%; no homozygotes.

Submission:

Greenwood Genetic Center Diagnostic Laboratories, Greenwood Genetic Center
Classification: Uncertain significance. Last evaluated: 2025-02-26. Review status: criteria provided, single submitter. Criteria: ACMG Guidelines, 2015. Collection method: clinical testing. Allele origin: germline.
Comment: PM2, BP4